The following is an entry in ClinVar:

NM_005862.3(STAG1):c.1026+5G>C

Gene: STAG1 (STAG1 cohesin complex component; minus strand). Cytogenetic location: 3q22.3.
Variant type: single nucleotide variant.
Coding change: c.1026+5G>C on transcript NM_005862.3 (MANE Select); 5 bases into the intron after coding-DNA position 1026, G replaced by C.
Molecular consequence: intron variant.
Genome position (GRCh38, 1-based): chr3:136,477,284, C>G on the plus strand (G>C on the coding strand, the complement: STAG1 is on the minus strand). VCF-style: chr3-136477284-C-G. GRCh37 (hg19) VCF-style: chr3-136196126-C-G.
Identifiers: ClinVar variation 2415029 (VCV002415029.4), dbSNP rs373577335, ClinGen allele CA2633035.
Genomic context (GRCh38, chr3:136,477,284, plus strand): 5'-ATTCCCAGCATTTTAGTACTGAGACAAACATAACTTCCATCAAAGCTTAGAACAGAGTAA[C>G]TTACCCTGTCATGAAGAGTCCAGCCAACATATTTTAGGTAACTGTCATTTAGGAAGGCAT-3'

ClinVar aggregate classification (germline): Uncertain significance (1 of 4 stars; one submission).

Allele frequency attached by ClinVar (database versions not stated): ExAC 0.00006; ESP Exome Variant Server 0.00015; gnomAD 0.00017.
gnomAD v4.1: 42 of 1,609,518 alleles (0.0026%); highest among the groups gnomAD compares: African/African-American, 0.047%; no homozygotes.

Submission:

Labcorp Genetics (formerly Invitae), Labcorp
Classification: Uncertain significance. Last evaluated: 2025-08-20. Review status: criteria provided, single submitter. Criteria: Invitae Variant Classification Sherloc (09022015). Collection method: clinical testing. Allele origin: germline.
Comment: This sequence change falls in intron 10 of the STAG1 gene. It does not directly change the encoded amino acid sequence of the STAG1 protein. It affects a nucleotide within the consensus splice site. This variant is present in population databases (rs373577335, gnomAD 0.07%), and has an allele count higher than expected for a pathogenic variant. This variant has not been reported in the literature in individuals affected with STAG1-related conditions. ClinVar contains an entry for this variant (Variation ID: 2415029). Variants that disrupt the consensus splice site are a relatively common cause of aberrant splicing (PMID: 17576681, 9536098). Algorithms developed to predict the effect of sequence changes on RNA splicing suggest that this variant may disrupt the consensus splice site. In summary, the available evidence is currently insufficient to determine the role of this variant in disease. Therefore, it has been classified as a Variant of Uncertain Significance.

Literature cited by the submitters: PubMed 17576681; PubMed 9536098.